The following is an entry in ClinVar:

ClinVar aggregate classification (germline): Benign. Review status: criteria provided, multiple submitters, no conflicts (2 of 4 stars). 5 submissions from 5 submitters: Benign (5). Last evaluated 2026-01-25.

Conditions:
Cataract 18 (CATC2). Also called: CATARACT 18, AUTOSOMAL RECESSIVE. Identifiers: Orphanet 91492, Orphanet 98991, Orphanet 98992, Orphanet 98995, MedGen C1864908, MONDO:0012395, OMIM 610019.

Allele frequency attached by ClinVar (database versions not stated): gnomAD exomes 0.01534 and 0.02232; ExAC 0.02458; gnomAD 0.05096 and 0.05424; 1000 Genomes Project 0.05471; 1000 Genomes Project 30x 0.05575; ESP Exome Variant Server 0.05759; TOPMed 0.05812.
gnomAD v4.1: 30,343 of 1,614,204 alleles (1.9%); highest among the groups gnomAD compares: African/African-American, 15%; 1,040 homozygotes.

Submissions (5):

Labcorp Genetics (formerly Invitae), Labcorp
Classification: Benign for Cataract 18. Last evaluated: 2026-01-25. Review status: criteria provided, single submitter. Criteria: Invitae Variant Classification Sherloc (09022015). Collection method: clinical testing. Allele origin: germline.

GeneDx
Classification: Benign. Last evaluated: 2019-04-24. Review status: criteria provided, single submitter. Criteria: GeneDx Variant Classification Process June 2021. Collection method: clinical testing. Allele origin: germline. Affected: yes.

Illumina Laboratory Services, Illumina
Classification: Benign for Cataract 18. Last evaluated: 2018-01-13. Review status: criteria provided, single submitter. Criteria: ICSL Variant Classification Criteria 13 December 2019. Collection method: clinical testing. Allele origin: germline.
Comment: This variant was observed in the ICSL laboratory as part of a predisposition screen in an ostensibly healthy population. It had not been previously curated by ICSL or reported in the Human Gene Mutation Database (HGMD: prior to June 1st, 2018), and was therefore a candidate for classification through an automated scoring system. Utilizing variant allele frequency, disease prevalence and penetrance estimates, and inheritance mode, an automated score was calculated to assess if this variant is too frequent to cause the disease. Based on the score and internal cut-off values, a variant classified as benign is not then subjected to further curation. The score for this variant resulted in a classification of benign for this disease.

Breakthrough Genomics
Classification: Benign. Review status: criteria provided, single submitter. Criteria: ACMG Guidelines, 2015. Collection method: not provided. Allele origin: germline. Inheritance: Autosomal recessive inheritance. Affected: yes.

PreventionGenetics, part of Exact Sciences
Classification: Benign. Review status: criteria provided, single submitter. Criteria: ACMG Guidelines, 2015. Collection method: clinical testing. Allele origin: germline.

NM_024513.4(FYCO1):c.2980G>A (p.Glu994Lys)

Gene: FYCO1 (FYVE and coiled-coil domain autophagy adaptor 1; minus strand). Cytogenetic location: 3p21.31.
Variant type: single nucleotide variant.
Coding change: c.2980G>A on transcript NM_024513.4 (MANE Select); coding-DNA position 2980, G replaced by A.
Protein change: p.Glu994Lys; replaces glutamic acid 994 with lysine.
Molecular consequence: missense variant.
Genome position (GRCh38, 1-based): chr3:45,966,354, C>T on the plus strand (G>A on the coding strand, the complement: FYCO1 is on the minus strand). VCF-style: chr3-45966354-C-T. GRCh37 (hg19) VCF-style: chr3-46007846-C-T.
Other names: short protein forms E994K.
Identifiers: ClinVar variation 261726 (VCV000261726.17), dbSNP rs34801630, ClinGen allele CA2352926.